The following is an entry in ClinVar:

NM_020921.4(NIN):c.2676G>A (p.Gln892=)

Gene: NIN (ninein; minus strand). Cytogenetic location: 14q22.1.
Variant type: single nucleotide variant.
Coding change: c.2676G>A on transcript NM_020921.4 (MANE Select); coding-DNA position 2676, G replaced by A.
Protein change: p.Gln892=; no amino-acid change (glutamine 892 retained).
Molecular consequence: synonymous variant. On other transcripts: intron variant (1).
Genome position (GRCh38, 1-based): chr14:50,758,354, C>T on the plus strand (G>A on the coding strand, the complement: NIN is on the minus strand). VCF-style: chr14-50758354-C-T. GRCh37 (hg19) VCF-style: chr14-51225072-C-T.
Other names: c.2676G>A, p.Gln892= (NM_182944.3, NM_182946.2); c.2399+1503G>A (NM_016350.5).
Identifiers: ClinVar variation 129785 (VCV000129785.43), dbSNP rs78234652, ClinGen allele CA154085.

ClinVar aggregate classification (germline): Benign. Review status: criteria provided, multiple submitters, no conflicts (2 of 4 stars). 3 submissions from 3 submitters: Benign (3). Last evaluated 2026-01-21.

Allele frequency attached by ClinVar (database versions not stated): gnomAD exomes 0.00035 and 0.00087; ExAC 0.00117; gnomAD 0.00337 and 0.00358; ESP Exome Variant Server 0.00384; TOPMed 0.00399; 1000 Genomes Project 0.00539; 1000 Genomes Project 30x 0.00547.
gnomAD v4.1: 1,068 of 1,614,252 alleles (0.066%); highest among the groups gnomAD compares: African/African-American, 1.2%; 6 homozygotes.

Submissions (3):

Labcorp Genetics (formerly Invitae), Labcorp
Classification: Benign. Last evaluated: 2026-01-21. Review status: criteria provided, single submitter. Criteria: Invitae Variant Classification Sherloc (09022015). Collection method: clinical testing. Allele origin: germline.

CeGaT Center for Human Genetics Tuebingen
Classification: Benign. Last evaluated: 2023-02-01. Review status: criteria provided, single submitter. Criteria: CeGaT Center For Human Genetics Tuebingen Variant Classification Criteria Version 2. Collection method: clinical testing. Allele origin: germline. Affected: yes. Observed: 1 variant allele.
Comment: NIN: BP4, BP7, BS1, BS2

Genetic Services Laboratory, University of Chicago
Classification: Benign. Last evaluated: 2018-11-19. Review status: criteria provided, single submitter. Criteria: ACMG Guidelines, 2015. Collection method: clinical testing. Allele origin: germline. Affected: no.